The following is an entry in ClinVar:

ClinVar aggregate classification (germline): Uncertain significance (1 of 4 stars; one submission).

Conditions:
Joubert syndrome. Also called: CEREBELLOPARENCHYMAL DISORDER IV; JOUBERT-BOLTSHAUSER SYNDROME; Familial aplasia of the vermis. Identifiers: Orphanet 475, MedGen C5979921, MONDO:0018772.

Submission:

Labcorp Genetics (formerly Invitae), Labcorp
Classification: Uncertain significance for Joubert syndrome. Last evaluated: 2022-02-25. Review status: criteria provided, single submitter. Criteria: Invitae Variant Classification Sherloc (09022015). Collection method: clinical testing. Allele origin: germline.
Comment: This sequence change replaces aspartic acid, which is acidic and polar, with glutamic acid, which is acidic and polar, at codon 62 of the AHI1 protein (p.Asp62Glu). This variant is not present in population databases (gnomAD no frequency). This variant has not been reported in the literature in individuals affected with AHI1-related conditions. Advanced modeling of protein sequence and biophysical properties (such as structural, functional, and spatial information, amino acid conservation, physicochemical variation, residue mobility, and thermodynamic stability) performed at Invitae indicates that this missense variant is not expected to disrupt AHI1 protein function. In summary, the available evidence is currently insufficient to determine the role of this variant in disease. Therefore, it has been classified as a Variant of Uncertain Significance.

NM_001134831.2(AHI1):c.186T>A (p.Asp62Glu)

Gene: AHI1 (Abelson helper integration site 1; minus strand). Cytogenetic location: 6q23.3.
Variant type: single nucleotide variant.
Coding change: c.186T>A on transcript NM_001134831.2 (MANE Select); coding-DNA position 186, T replaced by A.
Protein change: p.Asp62Glu; replaces aspartic acid 62 with glutamic acid.
Molecular consequence: missense variant.
Genome position (GRCh38, 1-based): chr6:135,467,584, A>T on the plus strand (T>A on the coding strand, the complement: AHI1 is on the minus strand). VCF-style: chr6-135467584-A-T. GRCh37 (hg19) VCF-style: chr6-135788722-A-T.
Other names: c.186T>A, p.Asp62Glu (NM_001134830.2, NM_001134832.2, NM_001350503.2 and 2 more transcripts); short protein forms D62E.
Identifiers: ClinVar variation 2092414 (VCV002092414.4), dbSNP rs1485284078, ClinGen allele CA365753314.
Genomic context (GRCh38, chr6:135,467,584, plus strand): 5'-TTTGTTTTTAGTGACTCTCATGCTCTTCTTCAGGCTGTTAGTGTTAGCAGTACTTACATC[A>T]TCACTTGTAGTTTCTTTCATATAGTGAAGATTGCTTCTAATAGTGTCAGGCTAAAAAGGA-3'
Protein context (NP_001128303.1, residues 52-72): NLHYMKETTS[Asp62Glu]DPDTIRSNLP